The following is an entry in ClinVar:

ClinVar aggregate classification (germline): Pathogenic (1 of 4 stars; one submission).

Conditions:
Inborn genetic diseases. Identifiers: MedGen C0950123, MeSH D030342.

Submission:

Ambry Genetics
Classification: Pathogenic for Inborn genetic diseases. Last evaluated: 2024-08-30. Review status: criteria provided, single submitter. Criteria: Ambry Variant Classification Scheme 2023. Collection method: clinical testing. Allele origin: germline.
Comment: The c.472delA (p.S158Vfs*3) alteration, located in exon 4 (coding exon 3) of the BCOR gene, consists of a deletion of one nucleotide at position 472, causing a translational frameshift with a predicted alternate stop codon after 3 amino acids. This alteration is expected to result in loss of function by premature protein truncation or nonsense-mediated mRNA decay. This variant was not reported in population-based cohorts in the Genome Aggregation Database (gnomAD). Based on the available evidence, this alteration is classified as pathogenic.

NM_001123385.2(BCOR):c.472del (p.Ser158fs)

Genes: BCOR (BCL6 corepressor; minus strand), LOC126863239 (MED14-independent group 3 enhancer GRCh37_chrX:39932994-39934193; plus strand). Cytogenetic location: Xp11.4.
Variant type: Deletion.
Coding change: c.472del on transcript NM_001123385.2 (MANE Select); coding-DNA position 472, one base deleted (A; older notation c.472delA).
Protein change: p.Ser158fs; shifts the reading frame from serine 158.
Molecular consequence: frameshift variant.
Genome position (GRCh38, 1-based): chrX:40,074,874, T deleted on the plus strand (A on the coding strand, the reverse complement: BCOR is on the minus strand); the first of 6 consecutive T bases (chrX:40,074,874-40,074,879); deleting any one gives the same sequence. VCF-style (leftmost placement, unchanged base first): chrX-40074873-CT-C. GRCh37 (hg19) VCF-style: chrX-39934126-CT-C.
Other names: c.472delA (NM_001123385.1); c.467delA, p.Ser158Valfs (NM_001123383.2); c.472del, p.Ser158fs (NM_001123384.2, NM_017745.6); short protein forms S158fs.
Identifiers: ClinVar variation 3480281 (VCV003480281.1).
Genomic context (GRCh38, chrX:40,074,873, plus strand): 5'-GGGCTCTGTTTGTCGCTGGCAGGCCTGTCCAAGCCCAGCGCTTCTGCTGTGGCTACAGCA[CT>C]TTTTTGTATTCCAGGCGGTGTTTTGTATATAGCACTGAAGCCATTTGGGGGTTTTCCAGA-3'